The following is an entry in ClinVar:

NM_016247.4(IMPG2):c.1300C>T (p.Pro434Ser)

Gene: IMPG2 (interphotoreceptor matrix proteoglycan 2; minus strand). Cytogenetic location: 3q12.3.
Variant type: single nucleotide variant.
Coding change: c.1300C>T on transcript NM_016247.4 (MANE Select); coding-DNA position 1300, C replaced by T.
Protein change: p.Pro434Ser; replaces proline 434 with serine.
Molecular consequence: missense variant.
Genome position (GRCh38, 1-based): chr3:101,246,045, G>A on the plus strand (C>T on the coding strand, the complement: IMPG2 is on the minus strand). VCF-style: chr3-101246045-G-A. GRCh37 (hg19) VCF-style: chr3-100964889-G-A.
Other names: short protein forms P434S.
Identifiers: ClinVar variation 853888 (VCV000853888.11), dbSNP rs201924170, ClinGen allele CA2519197.

ClinVar aggregate classification (germline): Uncertain significance. Review status: criteria provided, multiple submitters, no conflicts (2 of 4 stars). 4 submissions from 4 submitters: Uncertain significance (4). Last evaluated 2026-03-20.

Conditions:
IMPG2-related disorder. Also called: IMPG2-related condition.
Vitelliform macular dystrophy 5. Identifiers: Orphanet 99000, MedGen C4015343, MONDO:0014509, OMIM 616152.
Retinitis pigmentosa 56 (RP56). Identifiers: Orphanet 791, MedGen C3150819, MONDO:0013314, OMIM 613581.

Allele frequency attached by ClinVar (database versions not stated): TOPMed 0.00009; gnomAD exomes 0.00010; 1000 Genomes Project 0.00020; 1000 Genomes Project 30x 0.00031; ESP Exome Variant Server 0.00031.
gnomAD v4.1: 193 of 1,614,124 alleles (0.012%); highest among the groups gnomAD compares: Middle Eastern, 0.2%; no homozygotes.

Submissions (4):

PreventionGenetics, part of Exact Sciences
Classification: Uncertain significance for IMPG2-related condition. Last evaluated: 2026-03-20. Review status: criteria provided, single submitter. Criteria: ACMG Guidelines, 2015. Collection method: clinical testing. Allele origin: germline.
Comment: The IMPG2 c.1300C>T variant is predicted to result in the amino acid substitution p.Pro434Ser. To our knowledge, this variant has not been reported in the literature. This variant is reported in 0.036% of alleles in individuals of European (Finnish) descent in gnomAD. At this time, the clinical significance of this variant is uncertain due to the absence of conclusive functional and genetic evidence.

Labcorp Genetics (formerly Invitae), Labcorp
Classification: Uncertain significance. Last evaluated: 2025-07-14. Review status: criteria provided, single submitter. Criteria: Invitae Variant Classification Sherloc (09022015). Collection method: clinical testing. Allele origin: germline.
Comment: This sequence change replaces proline, which is neutral and non-polar, with serine, which is neutral and polar, at codon 434 of the IMPG2 protein (p.Pro434Ser). This variant is present in population databases (rs201924170, gnomAD 0.03%). This variant has not been reported in the literature in individuals affected with IMPG2-related conditions. ClinVar contains an entry for this variant (Variation ID: 853888). Invitae Evidence Modeling of protein sequence and biophysical properties (such as structural, functional, and spatial information, amino acid conservation, physicochemical variation, residue mobility, and thermodynamic stability) indicates that this missense variant is not expected to disrupt IMPG2 protein function with a negative predictive value of 80%. In summary, the available evidence is currently insufficient to determine the role of this variant in disease. Therefore, it has been classified as a Variant of Uncertain Significance.

Blueprint Genetics
Classification: Uncertain significance. Last evaluated: 2024-08-05. Review status: criteria provided, single submitter. Criteria: ACMG Guidelines, 2015. Collection method: clinical testing. Allele origin: germline.

Department of Pathology and Laboratory Medicine, Sinai Health System
Classification: Uncertain significance for Retinitis pigmentosa 56; Vitelliform macular dystrophy 5. Last evaluated: 2020-08-20. Review status: criteria provided, single submitter. Criteria: ACMG Guidelines, 2015. Collection method: research. Allele origin: germline.